The following is an entry in ClinVar:

ClinVar aggregate classification (germline): Pathogenic/Likely pathogenic. Review status: criteria provided, multiple submitters, no conflicts (2 of 4 stars). 3 submissions from 3 submitters: Pathogenic (1); Likely pathogenic (2). Last evaluated 2025-05-29.

Conditions:
3-methylcrotonyl-CoA carboxylase 2 deficiency. Also called: METHYLCROTONYLGLYCINURIA, TYPE II; 3 alpha methylcrotonyl-CoA carboxylase 2 deficiency; 3 alpha methylcrotonylglycinuria 2; MCC 2 deficiency; Methylcrotonylglycinuria type 2. Identifiers: Orphanet 6, MedGen C1859499, MONDO:0008862, OMIM 210210.

Allele frequency attached by ClinVar (database versions not stated): TOPMed 0.00001; ExAC 0.00002; gnomAD exomes 0.00002; gnomAD 0.00003 and 0.00004.
gnomAD v4.1: 26 of 1,613,632 alleles (0.0016%); highest among the groups gnomAD compares: African/African-American, 0.0067%; no homozygotes.

Submissions (3):

Natera, Inc.
Classification: Likely pathogenic for 3-methylcrotonyl-CoA carboxylase 2 deficiency. Last evaluated: 2025-05-29. Review status: criteria provided, single submitter. Criteria: Natera Variant Classification Schema (03/2026). Collection method: clinical testing. Allele origin: germline.
Comment: The c.518C>T variant in MCCC2 is a missense variant predicted to cause substitution of serine to leucine at amino acid 173. This variant is rare in the general population with a frequency below the threshold expected for the associated phenotype(s). This variant has been observed in one or more individuals affected with the associated recessive disease, as either homozygous or compound heterozygous with a second variant (PMID: 11181649, 22642865). Functional studies show that this variant may disrupt protein function (PMID: 11181649). Computational prediction algorithms indicate this variant is likely to affect gene or protein function. Given the available evidence, this variant is classified as Likely Pathogenic.

Labcorp Genetics (formerly Invitae), Labcorp
Classification: Pathogenic for 3-methylcrotonyl-CoA carboxylase 2 deficiency. Last evaluated: 2025-03-05. Review status: criteria provided, single submitter. Criteria: Invitae Variant Classification Sherloc (09022015). Collection method: clinical testing. Allele origin: germline.
Comment: This sequence change replaces serine, which is neutral and polar, with leucine, which is neutral and non-polar, at codon 173 of the MCCC2 protein (p.Ser173Leu). This variant is present in population databases (rs752866557, gnomAD 0.006%). This missense change has been observed in individual(s) with 3-methylcrotonyl-CoA carboxylase deficiency (PMID: 11181649, 22642865). ClinVar contains an entry for this variant (Variation ID: 203803). Invitae Evidence Modeling of protein sequence and biophysical properties (such as structural, functional, and spatial information, amino acid conservation, physicochemical variation, residue mobility, and thermodynamic stability) indicates that this missense variant is expected to disrupt MCCC2 protein function with a positive predictive value of 80%. Experimental studies have shown that this missense change affects MCCC2 function (PMID: 11181649). For these reasons, this variant has been classified as Pathogenic.

Fulgent Genetics
Classification: Likely pathogenic for 3-methylcrotonyl-CoA carboxylase 2 deficiency. Last evaluated: 2024-04-26. Review status: criteria provided, single submitter. Criteria: ACMG Guidelines, 2015. Collection method: clinical testing. Allele origin: germline.

Literature cited by the submitters: PubMed 11181649 (cited by Natera, Inc. and Labcorp Genetics (formerly Invitae), Labcorp); PubMed 22642865 (cited by Natera, Inc. and Labcorp Genetics (formerly Invitae), Labcorp).

NM_022132.5(MCCC2):c.518C>T (p.Ser173Leu)

Gene: MCCC2 (methylcrotonyl-CoA carboxylase subunit 2; plus strand). Cytogenetic location: 5q13.2.
Variant type: single nucleotide variant.
Coding change: c.518C>T on transcript NM_022132.5 (MANE Select); coding-DNA position 518, C replaced by T.
Protein change: p.Ser173Leu; replaces serine 173 with leucine.
Molecular consequence: missense variant.
Genome position (GRCh38, 1-based): chr5:71,604,362, C>T. VCF-style: chr5-71604362-C-T. GRCh37 (hg19) VCF-style: chr5-70900189-C-T.
Other names: c.518C>T, p.Ser173Leu (NM_001363147.1); short protein forms S173L.
Identifiers: ClinVar variation 203803 (VCV000203803.17), dbSNP rs752866557, ClinGen allele CA312686.
Genomic context (GRCh38, chr5:71,604,362, plus strand): 5'-GCGTAGCACATTTAGTTCATAGAGATGCTTATGTTTCTCATTTCTTGTCTTCAGTTGATT[C>T]GGGAGGAGCATACTTACCTCGACAAGCAGATGTGTTTCCAGATCGAGACCACTTTGGCCG-3'
Protein context (NP_071415.1, residues 163-183): NRLPCIYLVD[Ser173Leu]GGAYLPRQAD